The following is an entry in ClinVar:

NM_000384.3(APOB):c.12088-14T>C

Gene: APOB (apolipoprotein B; minus strand). Cytogenetic location: 2p24.1.
Variant type: single nucleotide variant.
Coding change: c.12088-14T>C on transcript NM_000384.3 (MANE Select); 14 bases into the intron before coding-DNA position 12088, T replaced by C.
Molecular consequence: intron variant.
Genome position (GRCh38, 1-based): chr2:21,003,348, A>G on the plus strand (T>C on the coding strand, the complement: APOB is on the minus strand). VCF-style: chr2-21003348-A-G. GRCh37 (hg19) VCF-style: chr2-21226220-A-G.
Identifiers: ClinVar variation 334084 (VCV000334084.13), dbSNP rs182329513, ClinGen allele CA049008.

ClinVar aggregate classification (germline): Conflicting classifications of pathogenicity. Review status: criteria provided, conflicting classifications (1 of 4 stars). 6 submissions from 5 submitters: Uncertain significance (2); Likely benign (4). Last evaluated 2026-09-30.

Conditions:
Familial hypobetalipoproteinemia 1. Also called: APOB-Related Familial Hypobetalipoproteinemia; Hypobetalipoproteinemia, normotriglyceridemic; Acanthocytosis with hypobetalipoproteinemia. Identifiers: MedGen C4551990, MONDO:0014252, OMIM 615558.
Hypercholesterolemia, autosomal dominant, type B (FHCL2). Also called: Familial hypercholesterolemia 2; APOB-Related Familial Hypercholesterolemia, Autosomal Dominant; Hyperlipoproteinemia Type IIb; APOLIPOPROTEIN B-100, FAMILIAL DEFECTIVE; APOLIPOPROTEIN B-100, FAMILIAL LIGAND-DEFECTIVE; HYPERCHOLESTEROLEMIA, FAMILIAL, DUE TO LIGAND-DEFECTIVE APOLIPOPROTEIN B. Identifiers: MedGen C1704417, MONDO:0007751, OMIM 144010.
Familial hypercholesterolemia. Also called: Familial hypercholesterolemias; Familial hypercholesterolaemia. Identifiers: MedGen C0020445, MONDO:0005439.

Allele frequency attached by ClinVar (database versions not stated): ExAC 0.00073; gnomAD exomes 0.00074 and 0.00032; 1000 Genomes Project 30x 0.00078; gnomAD 0.00011 and 0.00029; TOPMed 0.00013; 1000 Genomes Project 0.00040.

Submissions (6):

Cambridge Genomics Laboratory, East Genomic Laboratory Hub, NHS Genomic Medicine Service
Classification: Uncertain significance for Familial hypercholesterolaemia. Last evaluated: 2026-09-30. Review status: criteria provided, single submitter. Criteria: ACGS Best Practice Guidelines for Variant Classification in Rare Disease 2020. Collection method: clinical testing. Allele origin: germline. Affected: yes.
Comment: BS1_Strong

Labcorp Genetics (formerly Invitae), Labcorp
Classification: Likely benign for Familial hypobetalipoproteinemia 1; Hypercholesterolemia, autosomal dominant, type B. Last evaluated: 2025-11-18. Review status: criteria provided, single submitter. Criteria: Invitae Variant Classification Sherloc (09022015). Collection method: clinical testing. Allele origin: germline.

Blueprint Genetics
Classification: Likely benign. Last evaluated: 2024-11-08. Review status: criteria provided, single submitter. Criteria: ACMG Guidelines, 2015. Collection method: clinical testing. Allele origin: germline.

Illumina Laboratory Services, Illumina
Classification: Likely benign for Hypercholesterolemia, autosomal dominant, type B. Last evaluated: 2018-01-12. Review status: criteria provided, single submitter. Criteria: ICSL Variant Classification Criteria 13 December 2019. Collection method: clinical testing. Allele origin: germline.
Comment: This variant was observed in the ICSL laboratory as part of a predisposition screen in an ostensibly healthy population. It had not been previously curated by ICSL or reported in the Human Gene Mutation Database (HGMD: prior to June 1st, 2018), and was therefore a candidate for classification through an automated scoring system. Utilizing variant allele frequency, disease prevalence and penetrance estimates, and inheritance mode, an automated score was calculated to assess if this variant is too frequent to cause the disease. Based on the score and internal cut-off values, a variant classified as likely benign is not then subjected to further curation. The score for this variant resulted in a classification of likely benign for this disease.

Illumina Laboratory Services, Illumina
Classification: Uncertain significance for Familial hypobetalipoproteinemia 1. Last evaluated: 2018-01-12. Review status: criteria provided, single submitter. Criteria: ICSL Variant Classification Criteria 13 December 2019. Collection method: clinical testing. Allele origin: germline.

GeneDx
Classification: Likely benign. Last evaluated: 2017-08-31. Review status: criteria provided, single submitter. Criteria: GeneDx Variant Classification (06012015). Collection method: clinical testing. Allele origin: germline. Affected: yes.
Comment: This variant is considered likely benign or benign based on one or more of the following criteria: it is a conservative change, it occurs at a poorly conserved position in the protein, it is predicted to be benign by multiple in silico algorithms, and/or has population frequency not consistent with disease.